The following is an entry in ClinVar:

ClinVar aggregate classification (germline): Benign/Likely benign. Review status: criteria provided, multiple submitters, no conflicts (2 of 4 stars). 5 submissions from 5 submitters: Benign (3); Likely benign (2). Last evaluated 2026-01-31.

Conditions:
Sotos syndrome (SOTOS). Also called: Sotos' syndrome; CHROMOSOME 5q35 DELETION SYNDROME; CEREBRAL GIGANTISM; SOTOS SYNDROME 1; Distinctive facial appearance, overgrowth in childhood, and learning disabilities or delayed development. Identifiers: Orphanet 821, MedGen C0175695, MONDO:0019349, OMIM 117550.

Allele frequency attached by ClinVar (database versions not stated): gnomAD 0.00005; gnomAD exomes 0.00020 and 0.00049; TOPMed 0.00021; ExAC 0.00058.
gnomAD v4.1: 138 of 1,614,078 alleles (0.0085%); highest among the groups gnomAD compares: Admixed American, 0.2%; 3 homozygotes.

Submissions (5):

Labcorp Genetics (formerly Invitae), Labcorp
Classification: Benign. Last evaluated: 2026-01-31. Review status: criteria provided, single submitter. Criteria: Invitae Variant Classification Sherloc (09022015). Collection method: clinical testing. Allele origin: germline.

CeGaT Center for Human Genetics Tuebingen
Classification: Likely benign. Last evaluated: 2025-04-01. Review status: criteria provided, single submitter. Criteria: CeGaT Center For Human Genetics Tuebingen Variant Classification Criteria Version 2. Collection method: clinical testing. Allele origin: germline. Affected: yes. Observed: 1 variant allele.
Comment: NSD1: BP4, BP7

Genome-Nilou Lab
Classification: Benign for Sotos syndrome. Last evaluated: 2021-07-15. Review status: criteria provided, single submitter. Criteria: ACMG Guidelines, 2015. Collection method: clinical testing. Allele origin: germline. Affected: no.

GeneDx
Classification: Benign. Last evaluated: 2019-02-22. Review status: criteria provided, single submitter. Criteria: GeneDx Variant Classification Process June 2021. Collection method: clinical testing. Allele origin: germline. Affected: yes.

PreventionGenetics, part of Exact Sciences
Classification: Likely benign. Review status: criteria provided, single submitter. Criteria: ACMG Guidelines, 2015. Collection method: clinical testing. Allele origin: germline.

NM_022455.5(NSD1):c.5712C>T (p.Pro1904=)

Gene: NSD1 (nuclear receptor binding SET domain protein 1; plus strand). Cytogenetic location: 5q35.3.
Variant type: single nucleotide variant.
Coding change: c.5712C>T on transcript NM_022455.5 (MANE Select); coding-DNA position 5712, C replaced by T.
Protein change: p.Pro1904=; no amino-acid change (proline 1904 retained).
Molecular consequence: synonymous variant.
Genome position (GRCh38, 1-based): chr5:177,280,654, C>T. VCF-style: chr5-177280654-C-T. GRCh37 (hg19) VCF-style: chr5-176707655-C-T.
Other names: c.4839C>T, p.Pro1613= (NM_001365684.2, NM_001409308.1, NM_001409309.1 and 1 more transcripts); c.5712C>T, p.Pro1904= (NM_001409301.1, NM_001409302.1, NM_001409303.1); c.5292C>T, p.Pro1764= (NM_001409304.1); c.4959C>T, p.Pro1653= (NM_001409305.1); c.4950C>T, p.Pro1650= (NM_001409306.1, NM_001409307.1).
Identifiers: ClinVar variation 261593 (VCV000261593.22), dbSNP rs756321444, ClinGen allele CA3577889.